The following is an entry in ClinVar:

NM_000038.6(APC):c.1331A>G (p.His444Arg)

Gene: APC (APC regulator of Wnt signaling pathway; plus strand). Cytogenetic location: 5q22.2.
Variant type: single nucleotide variant.
Coding change: c.1331A>G on transcript NM_000038.6 (MANE Select); coding-DNA position 1331, A replaced by G.
Protein change: p.His444Arg; replaces histidine 444 with arginine.
Molecular consequence: missense variant.
Genome position (GRCh38, 1-based): chr5:112,821,914, A>G. VCF-style: chr5-112821914-A-G. GRCh37 (hg19) VCF-style: chr5-112157611-A-G.
Other names: c.1331A>G, p.His444Arg (NM_001127510.3, NM_001354895.2, NM_001354896.2); c.1277A>G, p.His426Arg (NM_001127511.3); c.1361A>G, p.His454Arg (NM_001354897.2); c.1256A>G, p.His419Arg (NM_001354898.2); c.1247A>G, p.His416Arg (NM_001354899.2); c.1154A>G, p.His385Arg (NM_001354900.2, NM_001354901.2); c.1058A>G, p.His353Arg (NM_001354902.2); c.1028A>G, p.His343Arg (NM_001354903.2); and 3 more; short protein forms H426R, H444R, H419R, H454R, H284R, H343R, H318R, H385R.
Identifiers: ClinVar variation 186336 (VCV000186336.17), dbSNP rs371065509, ClinGen allele CA004248.

ClinVar aggregate classification (germline): Conflicting classifications of pathogenicity. Review status: criteria provided, conflicting classifications (1 of 4 stars). 4 submissions from 4 submitters: Uncertain significance (3); Likely benign (1). Last evaluated 2025-01-27.

Conditions:
Classic or attenuated familial adenomatous polyposis. Identifiers: MedGen CN372698, MONDO:0021057.
Hereditary cancer-predisposing syndrome. Also called: Neoplastic Syndromes, Hereditary; Tumor predisposition; Hereditary Cancer Syndrome; Hereditary neoplastic syndrome. Identifiers: Orphanet 140162, MedGen C0027672, MeSH D009386, MONDO:0015356.
Familial adenomatous polyposis 1 (FAP1). Also called: FAMILIAL ADENOMATOUS POLYPOSIS 1, ATTENUATED; POLYPOSIS, ADENOMATOUS INTESTINAL. Identifiers: MedGen C2713442, MONDO:0021056, OMIM 175100. Disease mechanism: loss of function.

Allele frequency attached by ClinVar (database versions not stated): gnomAD exomes below 0.00001 and 0.00001; ExAC 0.00002; TOPMed 0.00002; gnomAD 0.00004; ESP Exome Variant Server 0.00008.
gnomAD v4.1: 7 of 1,613,164 alleles (0.00043%); highest among the groups gnomAD compares: African/African-American, 0.0093%; no homozygotes.

Submissions (4):

GeneDx
Classification: Uncertain significance. Last evaluated: 2025-01-27. Review status: criteria provided, single submitter. Criteria: GeneDx Variant Classification Process June 2021. Collection method: clinical testing. Allele origin: germline. Affected: yes.
Comment: Not observed at significant frequency in large population cohorts (gnomAD); In silico analysis supports that this missense variant has a deleterious effect on protein structure/function; Has not been previously published as pathogenic or benign to our knowledge

Labcorp Genetics (formerly Invitae), Labcorp
Classification: Uncertain significance for Familial adenomatous polyposis 1. Last evaluated: 2024-08-13. Review status: criteria provided, single submitter. Criteria: Invitae Variant Classification Sherloc (09022015). Collection method: clinical testing. Allele origin: germline.
Comment: This sequence change replaces histidine, which is basic and polar, with arginine, which is basic and polar, at codon 444 of the APC protein (p.His444Arg). This variant is present in population databases (rs371065509, gnomAD 0.01%). This variant has not been reported in the literature in individuals affected with APC-related conditions. ClinVar contains an entry for this variant (Variation ID: 186336). Advanced modeling of protein sequence and biophysical properties (such as structural, functional, and spatial information, amino acid conservation, physicochemical variation, residue mobility, and thermodynamic stability) performed at Invitae indicates that this missense variant is not expected to disrupt APC protein function with a negative predictive value of 95%. In summary, the available evidence is currently insufficient to determine the role of this variant in disease. Therefore, it has been classified as a Variant of Uncertain Significance.

All of Us Research Program, National Institutes of Health
Classification: Uncertain significance for Classic or attenuated familial adenomatous polyposis. Last evaluated: 2024-05-30. Review status: criteria provided, single submitter. Criteria: ACMG Guidelines, 2015. Collection method: clinical testing. Allele origin: germline. Inheritance: Autosomal dominant inheritance. Observed: 1 variant allele, 1 heterozygote.
Comment: This missense variant replaces histidine with arginine at codon 444 of the APC protein. Computational prediction suggests that this variant may not impact protein structure and function (internally defined REVEL score threshold <= 0.5, PMID: 27666373). To our knowledge, functional studies have not been reported for this variant. This variant has not been reported in individuals affected with APC-related disorders in the literature. This variant has been identified in 2/250644 chromosomes in the general population by the Genome Aggregation Database (gnomAD). The available evidence is insufficient to determine the role of this variant in disease conclusively. Therefore, this variant is classified as a Variant of Uncertain Significance.

This study involves interpretation of variants in research participants for the purpose of population health screening. Participant phenotype was not available at the time of variant classification. Additional details can be found in publication PMID: 35346344, PMCID: PMC8962531

Ambry Genetics
Classification: Likely benign for Hereditary cancer-predisposing syndrome. Last evaluated: 2023-01-20. Review status: criteria provided, single submitter. Criteria: Ambry Variant Classification Scheme 2023. Collection method: clinical testing. Allele origin: germline.